The following is an entry in ClinVar:

ClinVar aggregate classification (germline): Uncertain significance (1 of 4 stars; one submission).

Conditions:
Lysinuric protein intolerance (LPI). Identifiers: Orphanet 470, MedGen C0268647, MONDO:0009109, OMIM 222700.

Allele frequency attached by ClinVar (database versions not stated): gnomAD exomes below 0.00001 and 0.00001; ExAC 0.00001; gnomAD 0.00001; TOPMed 0.00001.

Submission:

Labcorp Genetics (formerly Invitae), Labcorp
Classification: Uncertain significance for Lysinuric protein intolerance. Last evaluated: 2022-09-29. Review status: criteria provided, single submitter. Criteria: Invitae Variant Classification Sherloc (09022015). Collection method: clinical testing. Allele origin: germline.
Comment: This sequence change replaces cysteine, which is neutral and slightly polar, with tyrosine, which is neutral and polar, at codon 487 of the SLC7A7 protein (p.Cys487Tyr). This variant is present in population databases (rs755163036, gnomAD 0.002%). This variant has not been reported in the literature in individuals affected with SLC7A7-related conditions. ClinVar contains an entry for this variant (Variation ID: 1374916). Algorithms developed to predict the effect of missense changes on protein structure and function (SIFT, PolyPhen-2, Align-GVGD) all suggest that this variant is likely to be tolerated. In summary, the available evidence is currently insufficient to determine the role of this variant in disease. Therefore, it has been classified as a Variant of Uncertain Significance.

NM_003982.4(SLC7A7):c.1460G>A (p.Cys487Tyr)

Gene: SLC7A7 (solute carrier family 7 member 7; minus strand). Cytogenetic location: 14q11.2.
Variant type: single nucleotide variant.
Coding change: c.1460G>A on transcript NM_003982.4 (MANE Select); coding-DNA position 1460, G replaced by A.
Protein change: p.Cys487Tyr; replaces cysteine 487 with tyrosine.
Molecular consequence: missense variant.
Genome position (GRCh38, 1-based): chr14:22,773,686, C>T on the plus strand (G>A on the coding strand, the complement: SLC7A7 is on the minus strand). VCF-style: chr14-22773686-C-T. GRCh37 (hg19) VCF-style: chr14-23242895-C-T.
Other names: c.1460G>A, p.Cys487Tyr (NM_001126105.3, NM_001126106.4); short protein forms C487Y.
Identifiers: ClinVar variation 1374916 (VCV001374916.5), dbSNP rs755163036, ClinGen allele CA7104372.